The following is an entry in ClinVar:

ClinVar aggregate classification (germline): Uncertain significance. Review status: criteria provided, multiple submitters, no conflicts (2 of 4 stars). 2 submissions from 2 submitters: Uncertain significance (2). Last evaluated 2025-12-02.

Conditions:
KBG syndrome (KBGS). Also called: ANKRD11-Related KBG Syndrome. Identifiers: Orphanet 2332, MedGen C0220687, MONDO:0007846, OMIM 148050.

gnomAD v4.1: 1 of 1,613,368 alleles (0.000062%); highest among the groups gnomAD compares: Non-Finnish European, 0.000085%; no homozygotes.

Submissions (2):

Dasa
Classification: Uncertain significance for KBG syndrome. Last evaluated: 2025-12-02. Review status: criteria provided, single submitter. Criteria: DASA Assertion Criteria. Collection method: clinical testing. Allele origin: germline.
Comment: NM_013275.6(ANKRD11):c.4464C>G (p.His1488Gln) is a missense variant that results in the substitution of histidine with glutamine. This variant is rare in population databases. Computational prediction algorithms are consistent with a benign effect. The currently available literature and clinical evidence are not sufficient to establish a definitive association between this variant and the reported condition. Therefore, this variant is classified as a variant of uncertain significance.

Labcorp Genetics (formerly Invitae), Labcorp
Classification: Uncertain significance for KBG syndrome. Last evaluated: 2024-05-06. Review status: criteria provided, single submitter. Criteria: Invitae Variant Classification Sherloc (09022015). Collection method: clinical testing. Allele origin: germline.
Comment: This sequence change replaces histidine, which is basic and polar, with glutamine, which is neutral and polar, at codon 1488 of the ANKRD11 protein (p.His1488Gln). This variant is present in population databases (no rsID available, gnomAD 0.006%). This variant has not been reported in the literature in individuals affected with ANKRD11-related conditions. Advanced modeling of protein sequence and biophysical properties (such as structural, functional, and spatial information, amino acid conservation, physicochemical variation, residue mobility, and thermodynamic stability) performed at Invitae indicates that this missense variant is not expected to disrupt ANKRD11 protein function with a negative predictive value of 95%. In summary, the available evidence is currently insufficient to determine the role of this variant in disease. Therefore, it has been classified as a Variant of Uncertain Significance.

NM_013275.6(ANKRD11):c.4464C>G (p.His1488Gln)

Gene: ANKRD11 (ankyrin repeat domain 11; minus strand). Cytogenetic location: 16q24.3.
Variant type: single nucleotide variant.
Coding change: c.4464C>G on transcript NM_013275.6 (MANE Select); coding-DNA position 4464, C replaced by G.
Protein change: p.His1488Gln; replaces histidine 1488 with glutamine.
Molecular consequence: missense variant.
Genome position (GRCh38, 1-based): chr16:89,282,078, G>C on the plus strand (C>G on the coding strand, the complement: ANKRD11 is on the minus strand). VCF-style: chr16-89282078-G-C. GRCh37 (hg19) VCF-style: chr16-89348486-G-C.
Other names: c.4464C>G, p.His1488Gln (NM_001256182.2, NM_001256183.2); short protein forms H1488Q.
Identifiers: ClinVar variation 3700674 (VCV003700674.4).
Genomic context (GRCh38, chr16:89,282,078, plus strand): 5'-GTCCTTGTCCCTGGTGGCGGGCTTCTGCTCGTCCCTGTGATGCCGCAGGAGCTCGTCCCT[G>C]TGATGCCGCAGCAGCCCATCCGCATGCCTGTCCCGGTGCCTCTCCTTCTCGTCTCTCCAT-3'
Protein context (NP_037407.4, residues 1478-1498): DRHADGLLRH[His1488Gln]RDELLRHHRD